The following is an entry in ClinVar:

NM_001148.6(ANK2):c.1757G>T (p.Arg586Leu)

Gene: ANK2 (ankyrin 2; plus strand). Cytogenetic location: 4q26.
Variant type: single nucleotide variant.
Coding change: c.1757G>T on transcript NM_001148.6 (MANE Select); coding-DNA position 1757, G replaced by T.
Protein change: p.Arg586Leu; replaces arginine 586 with leucine.
Molecular consequence: missense variant.
Genome position (GRCh38, 1-based): chr4:113,277,910, G>T. VCF-style: chr4-113277910-G-T. GRCh37 (hg19) VCF-style: chr4-114199066-G-T.
Other names: c.1757G>T, p.Arg586Leu (NM_001354235.2, NM_001354236.2, NM_001354245.2 and 8 more transcripts); c.1802G>T, p.Arg601Leu (NM_001354237.2, NM_001354240.2, NM_001354241.2 and 5 more transcripts); c.1694G>T, p.Arg565Leu (NM_001354239.2, NM_001354243.2, NM_001354244.2 and 14 more transcripts); c.1670G>T, p.Arg557Leu (NM_001354260.2, NM_001354264.2, NM_001354266.2 and 13 more transcripts); c.1715G>T, p.Arg572Leu (NM_001354261.2, NM_001386147.1, NM_001386160.1); c.1547G>T, p.Arg516Leu (NM_001354269.3); c.1745G>T, p.Arg582Leu (NM_001386148.2, NM_001386186.2); c.1472G>T, p.Arg491Leu (NM_001386157.1, NM_001386158.1, NM_001354277.2); and 4 more; short protein forms R516L, R520L, R557L, R565L, R574L, R595L, R582L, R586L.
Identifiers: ClinVar variation 2718296 (VCV002718296.4), dbSNP rs1375977442, ClinGen allele CA357911249.

ClinVar aggregate classification (germline): Uncertain significance. Review status: criteria provided, multiple submitters, no conflicts (2 of 4 stars). 2 submissions from 2 submitters: Uncertain significance (2). Last evaluated 2024-07-11.

Conditions:
Cardiovascular phenotype. Identifiers: MedGen CN230736.
Long QT syndrome (LQTS). Identifiers: MedGen C0023976, MeSH D008133, MONDO:0002442. Disease mechanism: loss of function. Inheritance: Various modes of inheritance.

gnomAD v4.1: 5 of 1,613,938 alleles (0.00031%); highest among the groups gnomAD compares: Non-Finnish European, 0.00042%; no homozygotes.

Submissions (2):

Ambry Genetics
Classification: Uncertain significance for Cardiovascular phenotype. Last evaluated: 2024-07-11. Review status: criteria provided, single submitter. Criteria: Ambry Variant Classification Scheme 2023. Collection method: clinical testing. Allele origin: germline.
Comment: The p.R586L variant (also known as c.1757G>T), located in coding exon 16 of the ANK2 gene, results from a G to T substitution at nucleotide position 1757. The arginine at codon 586 is replaced by leucine, an amino acid with dissimilar properties. This amino acid position is conserved. In addition, the in silico prediction for this alteration is inconclusive. Based on the available evidence, the clinical significance of this variant remains unclear.

Labcorp Genetics (formerly Invitae), Labcorp
Classification: Uncertain significance for Long QT syndrome. Last evaluated: 2023-10-23. Review status: criteria provided, single submitter. Criteria: Invitae Variant Classification Sherloc (09022015). Collection method: clinical testing. Allele origin: germline.
Comment: This sequence change replaces arginine, which is basic and polar, with leucine, which is neutral and non-polar, at codon 586 of the ANK2 protein (p.Arg586Leu). This variant is present in population databases (no rsID available, gnomAD 0.0009%). This variant has not been reported in the literature in individuals affected with ANK2-related conditions. Advanced modeling of protein sequence and biophysical properties (such as structural, functional, and spatial information, amino acid conservation, physicochemical variation, residue mobility, and thermodynamic stability) performed at Invitae indicates that this missense variant is not expected to disrupt ANK2 protein function. In summary, the available evidence is currently insufficient to determine the role of this variant in disease. Therefore, it has been classified as a Variant of Uncertain Significance.